The following is an entry in ClinVar:

ClinVar aggregate classification (germline): Conflicting classifications of pathogenicity. Review status: criteria provided, conflicting classifications (1 of 4 stars). 7 submissions from 7 submitters: Uncertain significance (4); Benign (1); Likely benign (1). 1 of the submissions does not count toward it. Last evaluated 2025-12-26.

Conditions:
TERT-related disorder. Also called: TERT-related disorders; TERT-related condition.
Dyskeratosis congenita. Identifiers: Orphanet 1775, MedGen C0265965, MONDO:0015780.
Dyskeratosis congenita, autosomal dominant 2. Identifiers: MedGen C3151443, MONDO:0013521, OMIM 613989.
Idiopathic Pulmonary Fibrosis. Also called: Idiopathic fibrosing alveolitis, chronic form; idiopathic fibrosing alveolitis. Identifiers: Orphanet 2032, MedGen C1800706, MeSH D054990, MONDO:0800504.
Acute myeloid leukemia (AML). Also called: Leukemia, acute myeloid, somatic; Leukemia, acute myelogenous, somatic; Acute myeloid leukemia, adult; AML adult; Acute non-lymphocytic leukemia; Acute granulocytic leukemia. Identifiers: Orphanet 519, MedGen C0023467, MeSH D015470, MONDO:0018874, OMIM 601626, HP:0004808. Disease mechanism: Constitutively activated FLT3.
Pulmonary fibrosis and/or bone marrow failure, Telomere-related, 1. Also called: PULMONARY FIBROSIS AND/OR BONE MARROW FAILURE SYNDROME, TELOMERE-RELATED, 1. Identifiers: Orphanet 88, MedGen C3553617, MONDO:0013878, OMIM 614742.
Melanoma, cutaneous malignant, susceptibility to, 9. Also called: Cutaneous malignant melanoma 9. Identifiers: Orphanet 618, MedGen C3554574, MONDO:0014056, OMIM 615134.

Allele frequency attached by ClinVar (database versions not stated): TOPMed 0.00010; gnomAD 0.00011; ESP Exome Variant Server 0.00015; 1000 Genomes Project 30x 0.00031; 1000 Genomes Project 0.00040.
gnomAD v4.1: 33 of 1,613,444 alleles (0.002%); highest among the groups gnomAD compares: African/African-American, 0.027%; no homozygotes.

Submissions (7):

Labcorp Genetics (formerly Invitae), Labcorp
Classification: Benign for Dyskeratosis congenita, autosomal dominant 2; Idiopathic Pulmonary Fibrosis. Last evaluated: 2025-12-26. Review status: criteria provided, single submitter. Criteria: Invitae Variant Classification Sherloc (09022015). Collection method: clinical testing. Allele origin: germline.

St. Jude Molecular Pathology, St. Jude Children's Research Hospital
Classification: Uncertain significance for Dyskeratosis congenita, autosomal dominant 2. Last evaluated: 2025-02-05. Review status: criteria provided, single submitter. Criteria: St. Jude Assertion Criteria 2020. Collection method: clinical testing. Allele origin: germline.
Comment: The TERT c.2573G>A (p.Arg858Gln) missense change has a maximum subpopulation frequency of 0.04% in gnomAD v2.1.1. The in silico tool REVEL predicts a benign effect on protein function, but to our knowledge this prediction has not been confirmed by functional studies. To our knowledge, this variant has not been reported in individuals with dyskeratosis congenita. In summary, the evidence currently available is insufficient to determine the role of this variant in dyskeratosis congenita. It has therefore been classified as of uncertain significance.

Ambry Genetics
Classification: Likely benign for Dyskeratosis congenita. Last evaluated: 2024-08-29. Review status: criteria provided, single submitter. Criteria: Ambry Variant Classification Scheme 2023. Collection method: clinical testing. Allele origin: germline.

Fulgent Genetics
Classification: Uncertain significance for Acute myeloid leukemia; Dyskeratosis congenita, autosomal dominant 2; Pulmonary fibrosis and/or bone marrow failure, Telomere-related, 1; Melanoma, cutaneous malignant, susceptibility to, 9. Last evaluated: 2024-04-11. Review status: criteria provided, single submitter. Criteria: ACMG Guidelines, 2015. Collection method: clinical testing. Allele origin: germline.

Baylor Genetics
Classification: Uncertain significance for Dyskeratosis congenita, autosomal dominant 2. Last evaluated: 2024-01-04. Review status: criteria provided, single submitter. Criteria: ACMG Guidelines, 2015. Collection method: clinical testing. Allele origin: unknown.

GeneDx
Classification: Uncertain significance. Last evaluated: 2023-07-25. Review status: criteria provided, single submitter. Criteria: GeneDx Variant Classification Process June 2021. Collection method: clinical testing. Allele origin: germline. Affected: yes.
Comment: In silico analysis supports that this missense variant does not alter protein structure/function; Identified in a child with warm antibody autoimmune hemolytic anemia and hypogammaglobulinemia (Damianaki et al., 2022); This variant is associated with the following publications: (PMID: 35078193, 35205015)

PreventionGenetics, part of Exact Sciences
Classification: Likely benign for TERT-related condition. Last evaluated: 2023-07-28. Review status: no assertion criteria provided. Collection method: clinical testing. Allele origin: germline. Not counted in ClinVar's aggregate classification.
Comment: This variant is classified as likely benign based on ACMG/AMP sequence variant interpretation guidelines (Richards et al. 2015 PMID: 25741868, with internal and published modifications).

NM_198253.3(TERT):c.2573G>A (p.Arg858Gln)

Gene: TERT (telomerase reverse transcriptase; minus strand). Cytogenetic location: 5p15.33.
Variant type: single nucleotide variant.
Coding change: c.2573G>A on transcript NM_198253.3 (MANE Select); coding-DNA position 2573, G replaced by A.
Protein change: p.Arg858Gln; replaces arginine 858 with glutamine.
Molecular consequence: missense variant. On other transcripts: non-coding transcript variant (2).
Genome position (GRCh38, 1-based): chr5:1,268,529, C>T on the plus strand (G>A on the coding strand, the complement: TERT is on the minus strand). VCF-style: chr5-1268529-C-T. GRCh37 (hg19) VCF-style: chr5-1268644-C-T.
Other names: c.2573G>A, p.Arg858Gln (NM_001193376.3); short protein forms R858Q.
Identifiers: ClinVar variation 539216 (VCV000539216.17), dbSNP rs144779807, ClinGen allele CA3184463.